The following is an entry in ClinVar:

NM_000751.3(CHRND):c.625G>A (p.Gly209Arg)

Gene: CHRND (cholinergic receptor nicotinic delta subunit; plus strand). Cytogenetic location: 2q37.1.
Variant type: single nucleotide variant.
Coding change: c.625G>A on transcript NM_000751.3 (MANE Select); coding-DNA position 625, G replaced by A.
Protein change: p.Gly209Arg; replaces glycine 209 with arginine.
Molecular consequence: missense variant. On other transcripts: intron variant (1).
Genome position (GRCh38, 1-based): chr2:232,529,944, G>A. VCF-style: chr2-232529944-G-A. GRCh37 (hg19) VCF-style: chr2-233394654-G-A.
Other names: c.580G>A, p.Gly194Arg (NM_001256657.2); c.322G>A, p.Gly108Arg (NM_001311196.2); c.238+1288G>A (NM_001311195.2); c.625G>A (NM_000751.1); short protein forms G209R, G108R, G194R.
Identifiers: ClinVar variation 857472 (VCV000857472.10), dbSNP rs766740341, ClinGen allele CA2168101.

ClinVar aggregate classification (germline): Uncertain significance. Review status: criteria provided, multiple submitters, no conflicts (2 of 4 stars). 2 submissions from 2 submitters: Uncertain significance (2). Last evaluated 2024-09-02.

Conditions:
Lethal multiple pterygium syndrome (LMPS). Identifiers: Orphanet 33108, MedGen C1854678, MONDO:0009668, OMIM 253290.
Inborn genetic diseases. Identifiers: MedGen C0950123, MeSH D030342.

Allele frequency attached by ClinVar (database versions not stated): TOPMed 0.00001.
gnomAD v4.1: 20 of 1,613,892 alleles (0.0012%); highest among the groups gnomAD compares: Non-Finnish European, 0.0016%; no homozygotes.

Submissions (2):

Ambry Genetics
Classification: Uncertain significance for Inborn genetic diseases. Last evaluated: 2024-09-02. Review status: criteria provided, single submitter. Criteria: Ambry Variant Classification Scheme 2023. Collection method: clinical testing. Allele origin: germline.

Labcorp Genetics (formerly Invitae), Labcorp
Classification: Uncertain significance for Lethal multiple pterygium syndrome. Last evaluated: 2024-02-28. Review status: criteria provided, single submitter. Criteria: Invitae Variant Classification Sherloc (09022015). Collection method: clinical testing. Allele origin: germline.
Comment: This sequence change replaces glycine, which is neutral and non-polar, with arginine, which is basic and polar, at codon 209 of the CHRND protein (p.Gly209Arg). This variant is present in population databases (rs766740341, gnomAD 0.002%). This variant has not been reported in the literature in individuals affected with CHRND-related conditions. ClinVar contains an entry for this variant (Variation ID: 857472). Advanced modeling of protein sequence and biophysical properties (such as structural, functional, and spatial information, amino acid conservation, physicochemical variation, residue mobility, and thermodynamic stability) performed at Invitae indicates that this missense variant is expected to disrupt CHRND protein function with a positive predictive value of 80%. In summary, the available evidence is currently insufficient to determine the role of this variant in disease. Therefore, it has been classified as a Variant of Uncertain Significance.